The following is an entry in ClinVar:

NM_000138.5(FBN1):c.8004C>T (p.Gly2668=)

Gene: FBN1 (fibrillin 1; minus strand). Cytogenetic location: 15q21.1.
Variant type: single nucleotide variant.
Coding change: c.8004C>T on transcript NM_000138.5 (MANE Select); coding-DNA position 8004, C replaced by T.
Protein change: p.Gly2668=; no amino-acid change (glycine 2668 retained).
Molecular consequence: synonymous variant.
Genome position (GRCh38, 1-based): chr15:48,415,583, G>A on the plus strand (C>T on the coding strand, the complement: FBN1 is on the minus strand). VCF-style: chr15-48415583-G-A. GRCh37 (hg19) VCF-style: chr15-48707780-G-A.
Identifiers: ClinVar variation 382821 (VCV000382821.21), dbSNP rs371285755, ClinGen allele CA059447.

ClinVar aggregate classification (germline): Likely benign. Review status: criteria provided, multiple submitters, no conflicts (2 of 4 stars). 7 submissions from 7 submitters: Likely benign (7). Last evaluated 2025-07-25.

Conditions:
Marfan syndrome (MFS). Also called: Marfan syndrome, classic; Marfan syndrome type 1; Marfan's syndrome; MARFAN SYNDROME, TYPE I; FBN1-Related Marfan Syndrome. Identifiers: Orphanet 284963, Orphanet 558, MedGen C0024796, MONDO:0007947, OMIM 154700.
Familial thoracic aortic aneurysm and aortic dissection (TAAD). Also called: Thoracic aortic aneurysms and dissections. Identifiers: Orphanet 91387, MedGen C4707243, MONDO:0019625.

Allele frequency attached by ClinVar (database versions not stated): gnomAD 0.00004; TOPMed 0.00006; ESP Exome Variant Server 0.00008.
gnomAD v4.1: 35 of 1,614,034 alleles (0.0022%); highest among the groups gnomAD compares: African/African-American, 0.008%; no homozygotes.

Submissions (7):

Labcorp Genetics (formerly Invitae), Labcorp
Classification: Likely benign for Marfan syndrome; Familial thoracic aortic aneurysm and aortic dissection. Last evaluated: 2025-07-25. Review status: criteria provided, single submitter. Criteria: Invitae Variant Classification Sherloc (09022015). Collection method: clinical testing. Allele origin: germline.

All of Us Research Program, National Institutes of Health
Classification: Likely benign for Marfan syndrome. Last evaluated: 2023-12-01. Review status: criteria provided, single submitter. Criteria: ACMG Guidelines, 2015. Collection method: clinical testing. Allele origin: germline. Inheritance: Autosomal dominant inheritance. Observed: 5 variant alleles, 5 heterozygotes.
Comment: This study involves interpretation of variants in research participants for the purpose of population health screening. Participant phenotype was not available at the time of variant classification. Additional details can be found in publication PMID: 35346344, PMCID: PMC8962531

Blueprint Genetics
Classification: Likely benign. Last evaluated: 2023-10-09. Review status: criteria provided, single submitter. Criteria: ACMG Guidelines, 2015. Collection method: clinical testing. Allele origin: germline.

Ambry Genetics
Classification: Likely benign for Familial thoracic aortic aneurysm and aortic dissection. Last evaluated: 2022-10-27. Review status: criteria provided, single submitter. Criteria: Ambry Variant Classification Scheme 2023. Collection method: clinical testing. Allele origin: germline.

CHEO Genetics Diagnostic Laboratory, Children's Hospital of Eastern Ontario
Classification: Likely benign for Familial thoracic aortic aneurysm and aortic dissection. Last evaluated: 2019-07-23. Review status: criteria provided, single submitter. Criteria: ACMG Guidelines, 2015. Collection method: clinical testing. Allele origin: germline.

Color Diagnostics, LLC DBA Color Health
Classification: Likely benign for Familial thoracic aortic aneurysm and aortic dissection. Last evaluated: 2019-03-08. Review status: criteria provided, single submitter. Criteria: ACMG Guidelines, 2015. Collection method: clinical testing. Allele origin: germline.

GeneDx
Classification: Likely benign. Last evaluated: 2018-12-10. Review status: criteria provided, single submitter. Criteria: GeneDx Variant Classification Process June 2021. Collection method: clinical testing. Allele origin: germline. Affected: yes.